The following is an entry in ClinVar:

ClinVar aggregate classification (germline): Uncertain significance (1 of 4 stars; one submission).

Conditions:
SEMA3E-related disorder. Also called: SEMA3E-related condition.

gnomAD v4.1: 2 of 1,609,344 alleles (0.00012%); highest among the groups gnomAD compares: Non-Finnish European, 0.000085%; no homozygotes.

Submission:

PreventionGenetics, part of Exact Sciences
Classification: Uncertain significance for SEMA3E-related condition. Last evaluated: 2025-12-26. Review status: criteria provided, single submitter. Criteria: ACMG Guidelines, 2015. Collection method: clinical testing. Allele origin: germline.
Comment: The SEMA3E c.463C>A variant is predicted to result in the amino acid substitution p.Leu155Met. To our knowledge, this variant has not been reported in the literature or in a large population database (gnomAD), indicating this variant is rare. At this time, the clinical significance of this variant is uncertain due to the absence of conclusive functional and genetic evidence.

NM_012431.3(SEMA3E):c.463C>A (p.Leu155Met)

Gene: SEMA3E (semaphorin 3E; minus strand). Cytogenetic location: 7q21.11.
Variant type: single nucleotide variant.
Coding change: c.463C>A on transcript NM_012431.3 (MANE Select); coding-DNA position 463, C replaced by A.
Protein change: p.Leu155Met; replaces leucine 155 with methionine.
Molecular consequence: missense variant.
Genome position (GRCh38, 1-based): chr7:83,418,477, G>T on the plus strand (C>A on the coding strand, the complement: SEMA3E is on the minus strand). VCF-style: chr7-83418477-G-T. GRCh37 (hg19) VCF-style: chr7-83047793-G-T.
Other names: c.283C>A, p.Leu95Met (NM_001178129.2); short protein forms L95M, L155M.
Identifiers: ClinVar variation 4984378 (VCV004984378.1).